The following is an entry in ClinVar:

ClinVar aggregate classification (germline): Uncertain significance (1 of 4 stars; one submission).

Submission:

Labcorp Genetics (formerly Invitae), Labcorp
Classification: Uncertain significance. Last evaluated: 2024-05-08. Review status: criteria provided, single submitter. Criteria: Invitae Variant Classification Sherloc (09022015). Collection method: clinical testing. Allele origin: germline.
Comment: This sequence change replaces alanine, which is neutral and non-polar, with valine, which is neutral and non-polar, at codon 455 of the RORB protein (p.Ala455Val). This variant is not present in population databases (gnomAD no frequency). This variant has not been reported in the literature in individuals affected with RORB-related conditions. An algorithm developed to predict the effect of missense changes on protein structure and function (PolyPhen-2) suggests that this variant is likely to be tolerated. In summary, the available evidence is currently insufficient to determine the role of this variant in disease. Therefore, it has been classified as a Variant of Uncertain Significance.

NM_006914.4(RORB):c.1364C>T (p.Ala455Val)

Genes: RORB (RAR related orphan receptor B; plus strand), LOC124310566 (Sharpr-MPRA regulatory region 9792; plus strand). Cytogenetic location: 9q21.13.
Variant type: single nucleotide variant.
Coding change: c.1364C>T on transcript NM_006914.4 (MANE Select); coding-DNA position 1364, C replaced by T.
Protein change: p.Ala455Val; replaces alanine 455 with valine.
Molecular consequence: missense variant.
Genome position (GRCh38, 1-based): chr9:74,685,602, C>T. VCF-style: chr9-74685602-C-T. GRCh37 (hg19) VCF-style: chr9-77300518-C-T.
Other names: c.1397C>T, p.Ala466Val (NM_001365023.1); short protein forms A455V, A466V.
Identifiers: ClinVar variation 3608707 (VCV003608707.2).